The following is an entry in ClinVar:

NM_001034116.2(EIF2B4):c.428G>A (p.Arg143His)

Gene: EIF2B4 (eukaryotic translation initiation factor 2B subunit delta; minus strand). Cytogenetic location: 2p23.3.
Variant type: single nucleotide variant.
Coding change: c.428G>A on transcript NM_001034116.2 (MANE Select); coding-DNA position 428, G replaced by A.
Protein change: p.Arg143His; replaces arginine 143 with histidine.
Molecular consequence: missense variant. On other transcripts: 5 prime UTR variant (2).
Genome position (GRCh38, 1-based): chr2:27,368,724, C>T on the plus strand (G>A on the coding strand, the complement: EIF2B4 is on the minus strand). VCF-style: chr2-27368724-C-T. GRCh37 (hg19) VCF-style: chr2-27591591-C-T.
Other names: c.491G>A, p.Arg164His (NM_001318965.2); c.383G>A, p.Arg128His (NM_001318966.2); c.335G>A, p.Arg112His (NM_001318967.2); c.-158G>A (NM_001318968.2); c.-165G>A (NM_001318969.2); c.425G>A, p.Arg142His (NM_015636.4); c.488G>A, p.Arg163His (NM_172195.4); short protein forms R128H, R142H, R143H, R164H, R112H, R163H.
Identifiers: ClinVar variation 898579 (VCV000898579.9), dbSNP rs368243788, ClinGen allele CA1576896.

ClinVar aggregate classification (germline): Uncertain significance. Review status: criteria provided, multiple submitters, no conflicts (2 of 4 stars). 3 submissions from 3 submitters: Uncertain significance (3). Last evaluated 2024-11-18.

Conditions:
Vanishing white matter disease. Also called: CACH syndrome; Childhood ataxia with diffuse central nervous system hypomyelination; Leukoencephalopathy with vanishing white matter; CACH/VWM syndrome; Cree leukoencehalopathy. Identifiers: Orphanet 135, Orphanet 99853, MedGen C1858991, MONDO:0800448.

Allele frequency attached by ClinVar (database versions not stated): gnomAD 0.00014 and 0.00015; ESP Exome Variant Server 0.00015; TOPMed 0.00017; 1000 Genomes Project 0.00020; 1000 Genomes Project 30x 0.00031.
gnomAD v4.1: 342 of 1,614,102 alleles (0.021%); highest among the groups gnomAD compares: Non-Finnish European, 0.026%; 1 homozygote.

Submissions (3):

Blueprint Genetics
Classification: Uncertain significance. Last evaluated: 2024-11-18. Review status: criteria provided, single submitter. Criteria: ACMG Guidelines, 2015. Collection method: clinical testing. Allele origin: germline.

Labcorp Genetics (formerly Invitae), Labcorp
Classification: Uncertain significance. Last evaluated: 2022-02-09. Review status: criteria provided, single submitter. Criteria: Invitae Variant Classification Sherloc (09022015). Collection method: clinical testing. Allele origin: germline.
Comment: This sequence change replaces arginine, which is basic and polar, with histidine, which is basic and polar, at codon 142 of the EIF2B4 protein (p.Arg142His). This variant is present in population databases (rs368243788, gnomAD 0.03%). This variant has not been reported in the literature in individuals affected with EIF2B4-related conditions. ClinVar contains an entry for this variant (Variation ID: 898579). Algorithms developed to predict the effect of missense changes on protein structure and function output the following: SIFT: "Tolerated"; PolyPhen-2: "Benign"; Align-GVGD: "Class C0". The histidine amino acid residue is found in multiple mammalian species, which suggests that this missense change does not adversely affect protein function. In summary, the available evidence is currently insufficient to determine the role of this variant in disease. Therefore, it has been classified as a Variant of Uncertain Significance.

Illumina Laboratory Services, Illumina
Classification: Uncertain significance for Leukoencephalopathy with vanishing white matter 1. Last evaluated: 2018-01-13. Review status: criteria provided, single submitter. Criteria: ICSL Variant Classification Criteria 13 December 2019. Collection method: clinical testing. Allele origin: germline.